The following is an entry in ClinVar:

ClinVar aggregate classification (germline): Uncertain significance (1 of 4 stars; one submission).

Submission:

Labcorp Genetics (formerly Invitae), Labcorp
Classification: Uncertain significance. Last evaluated: 2024-09-04. Review status: criteria provided, single submitter. Criteria: Invitae Variant Classification Sherloc (09022015). Collection method: clinical testing. Allele origin: germline.
Comment: This sequence change replaces phenylalanine, which is neutral and non-polar, with cysteine, which is neutral and slightly polar, at codon 1466 of the USP9X protein (p.Phe1466Cys). This variant is not present in population databases (gnomAD no frequency). This variant has not been reported in the literature in individuals affected with USP9X-related conditions. An algorithm developed to predict the effect of missense changes on protein structure and function (PolyPhen-2) suggests that this variant is likely to be disruptive. In summary, the available evidence is currently insufficient to determine the role of this variant in disease. Therefore, it has been classified as a Variant of Uncertain Significance.

NM_001039591.3(USP9X):c.4397T>G (p.Phe1466Cys)

Gene: USP9X (ubiquitin specific peptidase 9 X-linked; plus strand). Cytogenetic location: Xp11.4.
Variant type: single nucleotide variant.
Coding change: c.4397T>G on transcript NM_001039591.3 (MANE Select); coding-DNA position 4397, T replaced by G.
Protein change: p.Phe1466Cys; replaces phenylalanine 1466 with cysteine.
Molecular consequence: missense variant.
Genome position (GRCh38, 1-based): chrX:41,198,544, T>G. VCF-style: chrX-41198544-T-G. GRCh37 (hg19) VCF-style: chrX-41057797-T-G.
Other names: c.4397T>G, p.Phe1466Cys (NM_001039590.3); c.4412T>G, p.Phe1471Cys (NM_001410748.1, NM_001410749.1); short protein forms F1471C, F1466C.
Identifiers: ClinVar variation 3664483 (VCV003664483.2).
Genomic context (GRCh38, chrX:41,198,544, plus strand): 5'-ATATATAGCATTGCTAATATGTAATCCCTTTTTCAACTTTTTAGGAATTAATTGATGATT[T>G]CATATTTCCTGCATCCAATGTTTACCTACAGTATATGAGAAATGGAGAGCTTCCAGCTGA-3'
Protein context (NP_001034680.2, residues 1456-1476): ANLIKELIDD[Phe1466Cys]IFPASNVYLQ